The following is an entry in ClinVar:

ClinVar aggregate classification (germline): Uncertain significance (1 of 4 stars; one submission).

Allele frequency attached by ClinVar (database versions not stated): gnomAD 0.00001; TOPMed 0.00001.
gnomAD v4.1: 19 of 1,612,622 alleles (0.0012%); highest among the groups gnomAD compares: Admixed American, 0.0017%; no homozygotes.

Submission:

Labcorp Genetics (formerly Invitae), Labcorp
Classification: Uncertain significance. Last evaluated: 2024-10-25. Review status: criteria provided, single submitter. Criteria: Invitae Variant Classification Sherloc (09022015). Collection method: clinical testing. Allele origin: germline.
Comment: This sequence change replaces asparagine, which is neutral and polar, with lysine, which is basic and polar, at codon 125 of the SERPINH1 protein (p.Asn125Lys). This variant is present in population databases (no rsID available, gnomAD 0.0009%). This variant has not been reported in the literature in individuals affected with SERPINH1-related conditions. ClinVar contains an entry for this variant (Variation ID: 1351103). Invitae Evidence Modeling of protein sequence and biophysical properties (such as structural, functional, and spatial information, amino acid conservation, physicochemical variation, residue mobility, and thermodynamic stability) indicates that this missense variant is not expected to disrupt SERPINH1 protein function with a negative predictive value of 80%. In summary, the available evidence is currently insufficient to determine the role of this variant in disease. Therefore, it has been classified as a Variant of Uncertain Significance.

NM_001235.5(SERPINH1):c.375C>G (p.Asn125Lys)

Gene: SERPINH1 (serpin family H member 1; plus strand). Cytogenetic location: 11q13.5.
Variant type: single nucleotide variant.
Coding change: c.375C>G on transcript NM_001235.5 (MANE Select); coding-DNA position 375, C replaced by G.
Protein change: p.Asn125Lys; replaces asparagine 125 with lysine.
Molecular consequence: missense variant.
Genome position (GRCh38, 1-based): chr11:75,566,724, C>G. VCF-style: chr11-75566724-C-G. GRCh37 (hg19) VCF-style: chr11-75277769-C-G.
Other names: c.375C>G, p.Asn125Lys (NM_001207014.3); short protein forms N125K.
Identifiers: ClinVar variation 1351103 (VCV001351103.8), dbSNP rs772088561, ClinGen allele CA224682100.
Genomic context (GRCh38, chr11:75,566,724, plus strand): 5'-GGAGGTGCACGCCGGCCTGGGCGAGCTGCTGCGCTCACTCAGCAACTCCACGGCGCGCAA[C>G]GTGACCTGGAAGCTGGGCAGCCGACTGTACGGACCCAGCTCAGTGAGCTTCGCTGATGAC-3'
Protein context (NP_001226.2, residues 115-135): LRSLSNSTAR[Asn125Lys]VTWKLGSRLY